The following is an entry in ClinVar:

ClinVar aggregate classification (germline): Uncertain significance (1 of 4 stars; one submission).

Conditions:
Neurofibromatosis, type 1 (NF1). Also called: Peripheral type neurofibromatosis; Neurofibromatosis, type I; VON RECKLINGHAUSEN DISEASE; NEUROFIBROMATOSIS, TYPE I, SOMATIC. Identifiers: Orphanet 636, MedGen C0027831, MONDO:0018975, OMIM 162200. Disease mechanism: loss of function.

Submission:

Labcorp Genetics (formerly Invitae), Labcorp
Classification: Uncertain significance for Neurofibromatosis, type 1. Last evaluated: 2018-03-12. Review status: criteria provided, single submitter. Criteria: Invitae Variant Classification Sherloc (09022015). Collection method: clinical testing. Allele origin: germline.
Comment: Algorithms developed to predict the effect of missense changes on protein structure and function do not agree on the potential impact of this missense change (SIFT: "Tolerated"; PolyPhen-2: "Possibly Damaging"; Align-GVGD: "Class C0"). This sequence change replaces lysine with isoleucine at codon 584 of the NF1 protein (p.Lys584Ile). The lysine residue is moderately conserved and there is a moderate physicochemical difference between lysine and isoleucine. This variant is not present in population databases (ExAC no frequency). This variant has not been reported in the literature in individuals with NF1-related disease. In summary, the available evidence is currently insufficient to determine the role of this variant in disease. Therefore, it has been classified as a Variant of Uncertain Significance.

NM_001042492.3(NF1):c.1751A>T (p.Lys584Ile)

Gene: NF1 (neurofibromin 1; plus strand). Cytogenetic location: 17q11.2.
Variant type: single nucleotide variant.
Coding change: c.1751A>T on transcript NM_001042492.3 (MANE Select); coding-DNA position 1751, A replaced by T.
Protein change: p.Lys584Ile; replaces lysine 584 with isoleucine.
Molecular consequence: missense variant.
Genome position (GRCh38, 1-based): chr17:31,223,473, A>T. VCF-style: chr17-31223473-A-T. GRCh37 (hg19) VCF-style: chr17-29550491-A-T.
Other names: c.1751A>T, p.Lys584Ile (NM_000267.4); short protein forms K584I.
Identifiers: ClinVar variation 578589 (VCV000578589.5), dbSNP rs1567845855, ClinGen allele CA399004125.